The following is an entry in ClinVar:

ClinVar aggregate classification (germline): Pathogenic (1 of 4 stars; one submission).

Submission:

Labcorp Genetics (formerly Invitae), Labcorp
Classification: Pathogenic. Last evaluated: 2021-11-03. Review status: criteria provided, single submitter. Criteria: Invitae Variant Classification Sherloc (09022015). Collection method: clinical testing. Allele origin: germline.
Comment: For these reasons, this variant has been classified as Pathogenic. This variant has not been reported in the literature in individuals affected with MSH3-related conditions. This variant is a gross deletion of the genomic region encompassing exon(s) 14-16 of the MSH3 gene. This deletion is out-of-frame, and is expected to create a premature termination codon and result in an absent or disrupted protein product. Loss-of-function variants in MSH3 are known to be pathogenic (PMID: 27476653).

Literature cited by the submitters: PubMed 27476653.

NC_000005.9:g.(?_80063742)_(80071587_?)del

Gene: MSH3 (mutS homolog 3; plus strand). Cytogenetic location: 5q14.1.
Variant type: Deletion.
Identifiers: ClinVar variation 2424439 (VCV002424439.4).